The following is an entry in ClinVar:

NM_000059.4(BRCA2):c.1730C>T (p.Ala577Val)

Gene: BRCA2 (BRCA2 DNA repair associated; plus strand). Cytogenetic location: 13q13.1.
Variant type: single nucleotide variant.
Coding change: c.1730C>T on transcript NM_000059.4 (MANE Select); coding-DNA position 1730, C replaced by T.
Protein change: p.Ala577Val; replaces alanine 577 with valine.
Molecular consequence: missense variant.
Genome position (GRCh38, 1-based): chr13:32,333,208, C>T. VCF-style: chr13-32333208-C-T. GRCh37 (hg19) VCF-style: chr13-32907345-C-T.
Other names: short protein forms A577V.
Identifiers: ClinVar variation 234889 (VCV000234889.18), dbSNP rs876661280, ClinGen allele CA10577462.

ClinVar aggregate classification (germline): Conflicting classifications of pathogenicity. Review status: criteria provided, conflicting classifications (1 of 4 stars). 7 submissions from 7 submitters: Uncertain significance (4); Benign (1); Likely benign (2). Last evaluated 2026-03-03.

Conditions:
Hereditary cancer-predisposing syndrome. Also called: Tumor predisposition; Neoplastic Syndromes, Hereditary; Hereditary Cancer Syndrome; Hereditary neoplastic syndrome. Identifiers: Orphanet 140162, MedGen C0027672, MeSH D009386, MONDO:0015356.
Hereditary breast ovarian cancer syndrome. Also called: Hereditary breast and ovarian cancer; Hereditary breast and/or ovarian cancer syndrome; Hereditary breast and ovarian cancer syndrome (HBOC); Hereditary breast and ovarian cancer syndrome; Breast and ovarian cancer; BRCA1- and BRCA2-Associated Hereditary Breast and Ovarian Cancer. Identifiers: Orphanet 145, MedGen C0677776, MeSH D061325, MONDO:0003582. Disease mechanism: loss of function.

Submissions (7):

Women's Health and Genetics/Laboratory Corporation of America, LabCorp
Classification: Uncertain significance. Last evaluated: 2026-03-03. Review status: criteria provided, single submitter. Criteria: LabCorp Variant Classification Summary - May 2015. Collection method: clinical testing. Allele origin: germline.

Center for Genomic Medicine, Rigshospitalet, Copenhagen University Hospital
Classification: Likely benign. Last evaluated: 2025-03-04. Review status: criteria provided, single submitter. Criteria: ACMG Guidelines, 2015. Collection method: clinical testing. Allele origin: germline.

Ambry Genetics
Classification: Uncertain significance for Hereditary cancer-predisposing syndrome. Last evaluated: 2024-09-03. Review status: criteria provided, single submitter. Criteria: Ambry Variant Classification Scheme 2023. Collection method: clinical testing. Allele origin: germline.
Comment: The p.A577V variant (also known as c.1730C>T), located in coding exon 9 of the BRCA2 gene, results from a C to T substitution at nucleotide position 1730. The alanine at codon 577 is replaced by valine, an amino acid with similar properties. This amino acid position is not well conserved in available vertebrate species. In addition, this alteration is predicted to be tolerated by in silico analysis. Based on the available evidence, the clinical significance of this variant remains unclear.

Labcorp Genetics (formerly Invitae), Labcorp
Classification: Uncertain significance for Hereditary breast ovarian cancer syndrome. Last evaluated: 2024-04-24. Review status: criteria provided, single submitter. Criteria: Invitae Variant Classification Sherloc (09022015). Collection method: clinical testing. Allele origin: germline.
Comment: This sequence change replaces alanine, which is neutral and non-polar, with valine, which is neutral and non-polar, at codon 577 of the BRCA2 protein (p.Ala577Val). This variant is not present in population databases (gnomAD no frequency). This variant has not been reported in the literature in individuals affected with BRCA2-related conditions. ClinVar contains an entry for this variant (Variation ID: 234889). Advanced modeling of protein sequence and biophysical properties (such as structural, functional, and spatial information, amino acid conservation, physicochemical variation, residue mobility, and thermodynamic stability) performed at Invitae indicates that this missense variant is not expected to disrupt BRCA2 protein function with a negative predictive value of 95%. In summary, the available evidence is currently insufficient to determine the role of this variant in disease. Therefore, it has been classified as a Variant of Uncertain Significance.

GeneDx
Classification: Uncertain significance. Last evaluated: 2023-08-15. Review status: criteria provided, single submitter. Criteria: GeneDx Variant Classification Process June 2021. Collection method: clinical testing. Allele origin: germline. Affected: yes.
Comment: Not observed at significant frequency in large population cohorts (gnomAD); In silico analysis supports that this missense variant does not alter protein structure/function; Has not been previously published as pathogenic or benign to our knowledge; Also known as 1958C>T; This variant is associated with the following publications: (PMID: 29884841, 31131967)

University of Washington Department of Laboratory Medicine, University of Washington
Classification: Likely benign for Hereditary cancer-predisposing syndrome. Last evaluated: 2023-03-23. Review status: criteria provided, single submitter. Criteria: Dines et al. (Genet Med. 2020). Collection method: curation. Allele origin: germline.
Comment: Missense variant in a coldspot region where missense variants are very unlikely to be pathogenic (PMID:31911673).

BRCA2 exon 10 coldspot. Reclassification based on statistical prior probability.

Mendelics
Classification: Benign. Last evaluated: 2022-05-04. Review status: criteria provided, single submitter. Criteria: Mendelics Assertion Criteria 2019. Collection method: clinical testing. Allele origin: germline.